The following is an entry in ClinVar:

NM_001018113.3(FANCB):c.242G>C (p.Cys81Ser)

Gene: FANCB (FA complementation group B; minus strand). Cytogenetic location: Xp22.2.
Variant type: single nucleotide variant.
Coding change: c.242G>C on transcript NM_001018113.3 (MANE Select); coding-DNA position 242, G replaced by C.
Protein change: p.Cys81Ser; replaces cysteine 81 with serine.
Molecular consequence: missense variant. On other transcripts: non-coding transcript variant (1).
Genome position (GRCh38, 1-based): chrX:14,865,269, C>G on the plus strand (G>C on the coding strand, the complement: FANCB is on the minus strand). VCF-style: chrX-14865269-C-G. GRCh37 (hg19) VCF-style: chrX-14883391-C-G.
Other names: c.242G>C, p.Cys81Ser (NM_001324162.2, NM_001410764.1, NM_152633.4); short protein forms C81S.
Identifiers: ClinVar variation 4809280 (VCV004809280.1).

ClinVar aggregate classification (germline): Uncertain significance (1 of 4 stars; one submission).

Conditions:
Fanconi anemia (FA). Also called: Fanconi's anemia. Identifiers: Orphanet 84, MedGen C0015625, MeSH D005199, MONDO:0019391.

Submission:

Labcorp Genetics (formerly Invitae), Labcorp
Classification: Uncertain significance for Fanconi anemia. Last evaluated: 2025-11-05. Review status: criteria provided, single submitter. Criteria: Invitae Variant Classification Sherloc (09022015). Collection method: clinical testing. Allele origin: germline.
Comment: This sequence change replaces cysteine, which is neutral and slightly polar, with serine, which is neutral and polar, at codon 81 of the FANCB protein (p.Cys81Ser). This variant is not present in population databases (gnomAD no frequency). This variant has not been reported in the literature in individuals affected with FANCB-related conditions. Invitae Evidence Modeling of protein sequence and biophysical properties (such as structural, functional, and spatial information, amino acid conservation, physicochemical variation, residue mobility, and thermodynamic stability) indicates that this missense variant is not expected to disrupt FANCB protein function with a negative predictive value of 80%. In summary, the available evidence is currently insufficient to determine the role of this variant in disease. Therefore, it has been classified as a Variant of Uncertain Significance.